The following is an entry in ClinVar:

NM_001843.4(CNTN1):c.2185-11T>C

Gene: CNTN1 (contactin 1; plus strand). Cytogenetic location: 12q12.
Variant type: single nucleotide variant.
Coding change: c.2185-11T>C on transcript NM_001843.4 (MANE Select); 11 bases into the intron before coding-DNA position 2185, T replaced by C.
Molecular consequence: intron variant.
Genome position (GRCh38, 1-based): chr12:41,016,671, T>C. VCF-style: chr12-41016671-T-C. GRCh37 (hg19) VCF-style: chr12-41410473-T-C.
Other names: c.2152-11T>C (NM_175038.2).
Identifiers: ClinVar variation 512625 (VCV000512625.1), dbSNP rs1555199578, ClinGen allele CA658797876.

ClinVar aggregate classification (germline): Likely benign (1 of 4 stars; one submission).

Submission:

GeneDx
Classification: Likely benign. Last evaluated: 2017-10-12. Review status: criteria provided, single submitter. Criteria: GeneDx Variant Classification (06012015). Collection method: clinical testing. Allele origin: germline. Affected: yes.
Comment: This variant is considered likely benign or benign based on one or more of the following criteria: it is a conservative change, it occurs at a poorly conserved position in the protein, it is predicted to be benign by multiple in silico algorithms, and/or has population frequency not consistent with disease.